The following is an entry in ClinVar:

NM_006767.4(LZTR1):c.593+5del

Gene: LZTR1 (leucine zipper like post translational regulator 1; plus strand). Cytogenetic location: 22q11.21.
Variant type: Deletion.
Coding change: c.593+5del on transcript NM_006767.4 (MANE Select); 5 bases into the intron after coding-DNA position 593, one base deleted (G; older notation c.593+5delG).
Molecular consequence: intron variant.
Genome position (GRCh38, 1-based): chr22:20,988,877, G deleted; the last of 3 consecutive G bases (chr22:20,988,875-20,988,877); deleting any one gives the same sequence. VCF-style (leftmost placement, unchanged base first): chr22-20988874-TG-T. GRCh37 (hg19) VCF-style: chr22-21343163-TG-T.
Identifiers: ClinVar variation 1750571 (VCV001750571.3), dbSNP rs1432344730, ClinGen allele CA2580099186.
Genomic context (GRCh38, chr22:20,988,874, plus strand): 5'-GGGGCCACGGTGTACAGTGACAAGCTGTGGATCTTTGCTGGCTATGACGGCAACGCCAGG[TG>T]GGTGGTGGTCCGGCCTGTGCACCCCACCTCCGACAGCACTGAGACCCGGAGCAGGCCGTC-3'

ClinVar aggregate classification (germline): Uncertain significance. Review status: criteria provided, multiple submitters, no conflicts (2 of 4 stars). 2 submissions from 2 submitters: Uncertain significance (2). Last evaluated 2024-04-15.

Conditions:
Cardiovascular phenotype. Identifiers: MedGen CN230736.
Hereditary cancer-predisposing syndrome. Also called: Hereditary Cancer Syndrome; Hereditary neoplastic syndrome; Neoplastic Syndromes, Hereditary; Tumor predisposition. Identifiers: Orphanet 140162, MedGen C0027672, MeSH D009386, MONDO:0015356.

Submissions (2):

GeneDx
Classification: Uncertain significance. Last evaluated: 2024-04-15. Review status: criteria provided, single submitter. Criteria: GeneDx Variant Classification Process June 2021. Collection method: clinical testing. Allele origin: germline. Affected: yes.
Comment: Not observed at significant frequency in large population cohorts (gnomAD); Intronic +5 splice site variant in a gene for which loss of function is a known mechanism of disease, and both splice predictors and evolutionary conservation support a deleterious effect, although in the absence of functional evidence the actual effect of this sequence change is unknown.; Has not been previously published as pathogenic or benign to our knowledge

Ambry Genetics
Classification: Uncertain significance for Cardiovascular phenotype; Hereditary cancer-predisposing syndrome. Last evaluated: 2021-05-18. Review status: criteria provided, single submitter. Criteria: Ambry Variant Classification Scheme 2023. Collection method: clinical testing. Allele origin: germline.
Comment: The c.593+5delG intronic variant, located 5 nucleotides after coding exon 6 of the LZTR1 gene. This variant results from a deletion of one nucleotide at position c.593+5. This nucleotide position is highly conserved in available vertebrate species. In silico splice site analysis predicts that this alteration will weaken the native splice donor site. Since supporting evidence is limited at this time, the clinical significance of this alteration remains unclear.